The following is an entry in ClinVar:

ClinVar aggregate classification (germline): Uncertain significance (1 of 4 stars; one submission).

Conditions:
Fanconi anemia complementation group E (FANCE). Also called: FANCE-Related Fanconi Anemia. Identifiers: Orphanet 84, MedGen C3160739, MONDO:0010953, OMIM 600901.

Allele frequency attached by ClinVar (database versions not stated): gnomAD exomes 0.00003.
gnomAD v4.1: 20 of 1,613,874 alleles (0.0012%); highest among the groups gnomAD compares: East Asian, 0.045%; no homozygotes.

Submission:

Labcorp Genetics (formerly Invitae), Labcorp
Classification: Uncertain significance for Fanconi anemia complementation group E. Last evaluated: 2025-11-13. Review status: criteria provided, single submitter. Criteria: Invitae Variant Classification Sherloc (09022015). Collection method: clinical testing. Allele origin: germline.
Comment: This sequence change replaces serine, which is neutral and polar, with phenylalanine, which is neutral and non-polar, at codon 154 of the FANCE protein (p.Ser154Phe). This variant is not present in population databases (gnomAD no frequency). This variant has not been reported in the literature in individuals affected with FANCE-related conditions. ClinVar contains an entry for this variant (Variation ID: 1524207). Invitae Evidence Modeling of protein sequence and biophysical properties (such as structural, functional, and spatial information, amino acid conservation, physicochemical variation, residue mobility, and thermodynamic stability) indicates that this missense variant is expected to disrupt FANCE protein function with a positive predictive value of 80%. In summary, the available evidence is currently insufficient to determine the role of this variant in disease. Therefore, it has been classified as a Variant of Uncertain Significance.

NM_021922.3(FANCE):c.461C>T (p.Ser154Phe)

Gene: FANCE (FA complementation group E; plus strand). Cytogenetic location: 6p21.31.
Variant type: single nucleotide variant.
Coding change: c.461C>T on transcript NM_021922.3 (MANE Select); coding-DNA position 461, C replaced by T.
Protein change: p.Ser154Phe; replaces serine 154 with phenylalanine.
Molecular consequence: missense variant.
Genome position (GRCh38, 1-based): chr6:35,455,959, C>T. VCF-style: chr6-35455959-C-T. GRCh37 (hg19) VCF-style: chr6-35423736-C-T.
Other names: short protein forms S154F.
Identifiers: ClinVar variation 1524207 (VCV001524207.8), dbSNP rs1016962570, ClinGen allele CA137294644.